The following is an entry in ClinVar:

NM_002124.4(HLA-DRB1):c.303G>T (p.Arg101=)

Gene: HLA-DRB1 (major histocompatibility complex, class II, DR beta 1; minus strand). Cytogenetic location: 6p21.32.
Variant type: single nucleotide variant.
Coding change: c.303G>T on transcript NM_002124.4 (MANE Select); coding-DNA position 303, G replaced by T.
Protein change: p.Arg101=; no amino-acid change (arginine 101 retained).
Molecular consequence: synonymous variant.
Genome position (GRCh38, 1-based): chr6:32,584,176, C>A on the plus strand (G>T on the coding strand, the complement: HLA-DRB1 is on the minus strand). VCF-style: chr6-32584176-C-A. GRCh37 (hg19) VCF-style: chr6-32551953-C-A.
Identifiers: ClinVar variation 2656462 (VCV002656462.24), dbSNP rs17884749, ClinGen allele CA137040834.
Genomic context (GRCh38, chr6:32,584,176, plus strand): 5'-CTGCACTGTGAAGCTCTCCACAACCCCGTAGTTGTGTCTGCAGTAGGTGTCCACCGCGGC[C>A]CGCGCCTGCTCCAGGATGTCCTTCTGGCTGTTCCAGTACTCAGCGTCAGGCCGCCCCAGC-3'
Protein context (NP_002115.2, residues 91-111): NSQKDILEQA[Arg101=]AAVDTYCRHN

ClinVar aggregate classification (germline): Likely benign (1 of 4 stars; one submission).

Submission:

CeGaT Center for Human Genetics Tuebingen
Classification: Likely benign. Last evaluated: 2026-03-01. Review status: criteria provided, single submitter. Criteria: CeGaT Center For Human Genetics Tuebingen Variant Classification Criteria Version 2. Collection method: clinical testing. Allele origin: germline. Affected: yes. Observed: 4 variant alleles.
Comment: HLA-DRB1: BP4, BP7